The following is an entry in ClinVar:

ClinVar aggregate classification (germline): Conflicting classifications of pathogenicity. Review status: criteria provided, conflicting classifications (1 of 4 stars). 4 submissions from 4 submitters: Uncertain significance (1); Benign (1); Likely benign (2). Last evaluated 2026-01-10.

Conditions:
Hereditary cancer-predisposing syndrome. Also called: Neoplastic Syndromes, Hereditary; Tumor predisposition; Hereditary Cancer Syndrome; Hereditary neoplastic syndrome. Identifiers: Orphanet 140162, MedGen C0027672, MeSH D009386, MONDO:0015356.
Tuberous sclerosis syndrome (TSC). Also called: Tuberous Sclerosis Complex; Tuberous sclerosis. Identifiers: Orphanet 805, MedGen C0041341, MONDO:0001734.
Tuberous sclerosis 2 (TSC2). Identifiers: Orphanet 805, MedGen C1860707, MONDO:0013199, OMIM 613254.

Allele frequency attached by ClinVar (database versions not stated): gnomAD exomes below 0.00001 and 0.00001; ExAC 0.00002.

Submissions (4):

Labcorp Genetics (formerly Invitae), Labcorp
Classification: Benign for Tuberous sclerosis 2. Last evaluated: 2026-01-10. Review status: criteria provided, single submitter. Criteria: Invitae Variant Classification Sherloc (09022015). Collection method: clinical testing. Allele origin: germline.

Color Diagnostics, LLC DBA Color Health
Classification: Uncertain significance for Tuberous sclerosis syndrome. Last evaluated: 2025-07-14. Review status: criteria provided, single submitter. Criteria: ACMG Guidelines, 2015. Collection method: clinical testing. Allele origin: germline.
Comment: This missense variant replaces aspartic acid with tyrosine at codon 129 of the TSC2 protein. Computational prediction suggests that this variant may have deleterious impact on protein structure and function. To our knowledge, functional studies have not been reported for this variant. This variant has not been reported in individuals affected with TSC2-related disorders in the literature. This variant has been identified in 3/251482 chromosomes in the general population by the Genome Aggregation Database (gnomAD). The available evidence is insufficient to determine the role of this variant in disease conclusively. Therefore, this variant is classified as a Variant of Uncertain Significance.

Myriad Genetics, Inc.
Classification: Likely benign for Tuberous sclerosis 2. Last evaluated: 2024-08-16. Review status: criteria provided, single submitter. Criteria: Myriad Autosomal Dominant, Autosomal Recessive and X-Linked Classification Criteria (2023). Collection method: clinical testing. Allele origin: unknown.
Comment: This variant is considered likely benign. This variant has been observed at a population frequency that is significantly greater than expected given the associated disease prevalence and penetrance.

Ambry Genetics
Classification: Likely benign for Hereditary cancer-predisposing syndrome. Last evaluated: 2021-06-04. Review status: criteria provided, single submitter. Criteria: Ambry Variant Classification Scheme 2023. Collection method: clinical testing. Allele origin: germline.

NM_000548.5(TSC2):c.385G>T (p.Asp129Tyr)

Gene: TSC2 (TSC complex subunit 2; plus strand). Cytogenetic location: 16p13.3.
Variant type: single nucleotide variant.
Coding change: c.385G>T on transcript NM_000548.5 (MANE Select); coding-DNA position 385, G replaced by T.
Protein change: p.Asp129Tyr; replaces aspartic acid 129 with tyrosine.
Molecular consequence: missense variant. On other transcripts: intron variant (1).
Genome position (GRCh38, 1-based): chr16:2,054,344, G>T. VCF-style: chr16-2054344-G-T. GRCh37 (hg19) VCF-style: chr16-2104345-G-T.
Other names: c.385G>T, p.Asp129Tyr (NM_001077183.3, NM_001114382.3, NM_001363528.2 and 3 more transcripts); c.274G>T, p.Asp92Tyr (NM_001318827.2); c.238G>T, p.Asp80Tyr (NM_001318829.2); c.418G>T, p.Asp140Tyr (NM_001318832.2); c.-1-1852G>T (NM_001318831.2); short protein forms D129Y, D92Y, D80Y, D140Y.
Identifiers: ClinVar variation 535996 (VCV000535996.13), dbSNP rs771961048, ClinGen allele CA048912.
Genomic context (GRCh38, chr16:2,054,344, plus strand): 5'-TTTTGTCTTTAGGGCGAGCGTTTGGGGGTCCTCAGAGCCCTCTTCTTTAAGGTCATCAAG[G>T]ATTACCCTTCCAACGAAGACCTTCACGAAAGGCTGGAGGTTTTCAAGGCCCTCACAGACA-3'
Protein context (NP_000539.2, residues 119-139): LRALFFKVIK[Asp129Tyr]YPSNEDLHER